The following is an entry in ClinVar:

NM_001374828.1(ARID1B):c.5773C>T (p.Arg1925Ter)

Gene: ARID1B (AT-rich interaction domain 1B; plus strand). Cytogenetic location: 6q25.3.
Variant type: single nucleotide variant.
Coding change: c.5773C>T on transcript NM_001374828.1 (MANE Select); coding-DNA position 5773, C replaced by T.
Protein change: p.Arg1925Ter; replaces arginine 1925 with a stop codon.
Molecular consequence: nonsense.
Genome position (GRCh38, 1-based): chr6:157,206,545, C>T. VCF-style: chr6-157206545-C-T. GRCh37 (hg19) VCF-style: chr6-157527679-C-T.
Other names: c.5404C>T, p.Arg1802Ter (NM_020732.3); c.5653C>T, p.Arg1885Ter (NM_001374820.1, NM_001371656.1); c.5614C>T, p.Arg1872Ter (NM_017519.3); c.3274C>T, p.Arg1092Ter (NM_001363725.2); short protein forms R1802*, R1092*, R1872*, R1885*, R1925*.
Identifiers: ClinVar variation 210302 (VCV000210302.22), dbSNP rs797045282, ClinGen allele CA206469.
Genomic context (GRCh38, chr6:157,206,545, plus strand): 5'-AGTAAGTTCGACAAGCTGCCAATAAAGATAGTCAAAAAGAACAACCTGTTTGTTGTTGAC[C>T]GATCTGACAAGTTGGGGCGTGTGCAGGAGTTCAATAGTGGCCTTCTGCACTGGCAGCTCG-3'

ClinVar aggregate classification (germline): Pathogenic. Review status: criteria provided, multiple submitters, no conflicts (2 of 4 stars). 10 submissions from 10 submitters: Pathogenic (7). 3 of the submissions do not count toward it. Last evaluated 2024-10-29.

Conditions:
ARID1B-Related Disorder. Identifiers: MedGen CN381337.
Inborn genetic diseases. Identifiers: MedGen C0950123, MeSH D030342.
Coffin-Siris syndrome 1 (CSS1). Also called: Mental retardation, autosomal dominant 12; ARID1B-Related Coffin-Siris Syndrome. Identifiers: Orphanet 1465, MedGen C3281201, MONDO:0007617, OMIM 135900. Disease mechanism: gain of function.

Submissions (10):

PreventionGenetics, part of Exact Sciences
Classification: Pathogenic for ARID1B-related condition. Last evaluated: 2024-10-29. Review status: criteria provided, single submitter. Criteria: ACMG Guidelines, 2015. Collection method: clinical testing. Allele origin: germline.
Comment: The ARID1B c.5404C>T variant is predicted to result in premature protein termination (p.Arg1802*). This variant is also referred to as NM_001374828.1:c.5773C>T (p.Arg1925*) using alternative nomenclature. It has been reported de novo in at least four individuals with ARID1B-associated phenotypes (Table S4, Fitzgerald et al. 2015. PubMed ID: 25533962; Table S1, van der Sluijs et al. 2019. PubMed ID: 30349098; Melo Gomes et al. 2019. PubMed ID: 31243159). This variant has not been reported in a large population database, indicating it is rare. This variant resides in a large terminal exon and numerous downstream loss-of-function variants have been documented to be disease-causing (Table S1, van der Sluijs et al. 2019. PubMed ID: 30349098). This variant is interpreted as pathogenic.

3billion
Classification: Pathogenic for Coffin-Siris syndrome 1. Last evaluated: 2022-05-22. Review status: criteria provided, single submitter. Criteria: ACMG Guidelines, 2015. Collection method: clinical testing. Allele origin: germline. Affected: yes. Observed: 1 heterozygote.
Comment: The variant is not observed in the gnomAD v2.1.1 dataset. Stop-gained (nonsense): predicted to result in a loss or disruption of normal protein function through protein truncation. Multiple pathogenic variants are reported in the predicted truncated region. The variant has been previously reported as de novo in a similarly affected individual (PMID: 25533962 ). The variant has been reported at least twice as pathogenic with clinical assertions and evidence for the classification (ClinVar ID: VCV000210302 / PMID: 25533962 ). Therefore, this variant is classified as pathogenic according to the recommendation of ACMG/AMP guideline.

GeneDx
Classification: Pathogenic. Last evaluated: 2022-04-20. Review status: criteria provided, single submitter. Criteria: GeneDx Variant Classification Process June 2021. Collection method: clinical testing. Allele origin: germline. Affected: yes.
Comment: Nonsense variant in the C-terminus predicted to result in protein truncation as the last 448 amino acids are lost, and other loss-of-function variants have been reported downstream in the Human Gene Mutation Database (HGMD); Not observed at significant frequency in large population cohorts (gnomAD); This variant is associated with the following publications: (PMID: 28191890, 25533962, 31243159, 30349098, 28191889, 31785789)

Genome-Nilou Lab
Classification: Pathogenic for Coffin-Siris syndrome 1. Last evaluated: 2021-07-15. Review status: criteria provided, single submitter. Criteria: ACMG Guidelines, 2015. Collection method: clinical testing. Allele origin: germline. Affected: no.

Clinical Genetics and Genomics, Karolinska University Hospital
Classification: Pathogenic. Last evaluated: 2016-12-19. Review status: criteria provided, single submitter. Criteria: ACMG Guidelines, 2015. Collection method: clinical testing. Allele origin: germline. Affected: yes. Observed: 1 variant allele.

Ambry Genetics
Classification: Pathogenic for Inborn genetic diseases. Last evaluated: 2016-07-05. Review status: criteria provided, single submitter. Criteria: Ambry exome assertion method (8-5-2015). Collection method: clinical testing. Allele origin: germline. Affected: yes. Observed: 1 variant allele.

Genetic Services Laboratory, University of Chicago
Classification: Pathogenic for Mental retardation, autosomal dominant 12. Last evaluated: 2014-06-25. Review status: criteria provided, single submitter. Criteria: ACMG Guidelines, 2015. Collection method: clinical testing. Allele origin: germline. Affected: yes.

Solve-RD Consortium
Classification: Likely pathogenic for Coffin-Siris syndrome 1. Last evaluated: 2022-06-01. Review status: no assertion criteria provided. Collection method: provider interpretation. Allele origin: inherited. Affected: yes. Not counted in ClinVar's aggregate classification.
Comment: Variant confirmed as disease-causing by referring clinical team

Variant identified during reanalysis of unsolved cases by the Solve-RD project. The Solve-RD project has received funding from the European Union’s Horizon 2020 research and innovation programme under grant agreement No 779257.

Diagnostic Laboratory, Department of Genetics, University Medical Center Groningen
Classification: Likely pathogenic. Review status: no assertion criteria provided. Collection method: clinical testing. Allele origin: germline. Affected: yes. Study: VKGL Data-share Consensus. Not counted in ClinVar's aggregate classification.

Joint Genome Diagnostic Labs from Nijmegen and Maastricht, Radboudumc and MUMC+
Classification: Pathogenic. Review status: no assertion criteria provided. Collection method: clinical testing. Allele origin: germline. Affected: yes. Study: VKGL Data-share Consensus. Not counted in ClinVar's aggregate classification.

Literature cited by the submitters: PubMed 25533962 (cited by 3billion); PubMed 39825153 (cited by Solve-RD Consortium).